The following is an entry in ClinVar:

NM_000350.3(ABCA4):c.4663_4664del (p.Gln1555fs)

Gene: ABCA4 (ATP binding cassette subfamily A member 4; minus strand). Cytogenetic location: 1p22.1.
Variant type: Deletion.
Coding change: c.4663_4664del on transcript NM_000350.3 (MANE Select); coding-DNA positions 4663 to 4664, 2 bases deleted (CA; older notation c.4663_4664delCA).
Protein change: p.Gln1555fs; shifts the reading frame from glutamine 1555.
Molecular consequence: frameshift variant.
Genome position (GRCh38, 1-based): chr1:94,023,389-94,023,390, TG deleted on the plus strand (CA on the coding strand, the reverse complement: ABCA4 is on the minus strand); deleting any 2 consecutive bases within chr1:94,023,389-94,023,391 gives the same sequence; the c. name uses the placement nearest the transcript's 3' end. VCF-style (leftmost placement, unchanged base first): chr1-94023388-CTG-C. GRCh37 (hg19) VCF-style: chr1-94488944-CTG-C.
Other names: c.4440_4441delAC, p.Gln1481Glufs (NM_001425324.1); short protein forms Q1555fs.
Identifiers: ClinVar variation 2151886 (VCV002151886.6), dbSNP rs2523701032, ClinGen allele CA2580063572.

ClinVar aggregate classification (germline): Pathogenic. Review status: criteria provided, multiple submitters, no conflicts (2 of 4 stars). 3 submissions from 3 submitters: Pathogenic (3). Last evaluated 2024-06-14.

Conditions:
ABCA4-related disorder. Also called: ABCA4-related condition; ABCA4-related disorders. Identifiers: MedGen CN239167.
Retinal dystrophy. Also called: Inherited retinal dystrophy. Identifiers: Orphanet 71862, MedGen C0854723, MeSH D058499, MONDO:0019118, HP:0000556.

Submissions (3):

Blueprint Genetics
Classification: Pathogenic for ABCA4-related disorders. Last evaluated: 2024-06-14. Review status: criteria provided, single submitter. Criteria: ACMG Guidelines, 2015. Collection method: clinical testing. Allele origin: germline. Affected: yes. Observed: 2 variant alleles.

Labcorp Genetics (formerly Invitae), Labcorp
Classification: Pathogenic. Last evaluated: 2022-09-15. Review status: criteria provided, single submitter. Criteria: Invitae Variant Classification Sherloc (09022015). Collection method: clinical testing. Allele origin: germline.
Comment: This sequence change creates a premature translational stop signal (p.Gln1555Glufs*41) in the ABCA4 gene. It is expected to result in an absent or disrupted protein product. Loss-of-function variants in ABCA4 are known to be pathogenic (PMID: 10958761, 24938718, 25312043, 26780318). For these reasons, this variant has been classified as Pathogenic. This premature translational stop signal has been observed in individual(s) with Stargardt disease (PMID: 29925512, 30060493). This variant is not present in population databases (gnomAD no frequency).

Institute of Human Genetics, Univ. Regensburg, Univ. Regensburg
Classification: Pathogenic for Retinal dystrophy. Last evaluated: 2018-01-01. Review status: criteria provided, single submitter. Criteria: ACMG Guidelines, 2015. Collection method: clinical testing. Allele origin: germline. Affected: yes.

Literature cited by the submitters: PubMed 10958761 (cited by Labcorp Genetics (formerly Invitae), Labcorp); PubMed 24938718 (cited by Labcorp Genetics (formerly Invitae), Labcorp); PubMed 25312043 (cited by Labcorp Genetics (formerly Invitae), Labcorp); PubMed 26780318 (cited by Labcorp Genetics (formerly Invitae), Labcorp); PubMed 29925512 (cited by Labcorp Genetics (formerly Invitae), Labcorp and Institute of Human Genetics, Univ. Regensburg, Univ. Regensburg); PubMed 30060493 (cited by Labcorp Genetics (formerly Invitae), Labcorp and Institute of Human Genetics, Univ. Regensburg, Univ. Regensburg); PubMed 32531858 (cited by Institute of Human Genetics, Univ. Regensburg, Univ. Regensburg); PubMed 36460718 (cited by Institute of Human Genetics, Univ. Regensburg, Univ. Regensburg).